The following is an entry in ClinVar:

ClinVar aggregate classification (germline): Uncertain significance (1 of 4 stars; one submission).

Conditions:
Hypertrophic cardiomyopathy. Also called: HYPERTROPHIC MYOCARDIOPATHY. Identifiers: Orphanet 217569, MedGen C0007194, MeSH D002312, MONDO:0005045, HP:0001639.

Submission:

Labcorp Genetics (formerly Invitae), Labcorp
Classification: Uncertain significance for Hypertrophic cardiomyopathy. Last evaluated: 2025-03-17. Review status: criteria provided, single submitter. Criteria: Invitae Variant Classification Sherloc (09022015). Collection method: clinical testing. Allele origin: germline.
Comment: This sequence change replaces threonine, which is neutral and polar, with serine, which is neutral and polar, at codon 1266 of the MYH7 protein (p.Thr1266Ser). This variant is not present in population databases (gnomAD no frequency). This variant has not been reported in the literature in individuals affected with MYH7-related conditions. Invitae Evidence Modeling of protein sequence and biophysical properties (such as structural, functional, and spatial information, amino acid conservation, physicochemical variation, residue mobility, and thermodynamic stability) indicates that this missense variant is not expected to disrupt MYH7 protein function with a negative predictive value of 95%. In summary, the available evidence is currently insufficient to determine the role of this variant in disease. Therefore, it has been classified as a Variant of Uncertain Significance.

NM_000257.4(MYH7):c.3796A>T (p.Thr1266Ser)

Gene: MYH7 (myosin heavy chain 7; minus strand). Cytogenetic location: 14q11.2.
Variant type: single nucleotide variant.
Coding change: c.3796A>T on transcript NM_000257.4 (MANE Select); coding-DNA position 3796, A replaced by T.
Protein change: p.Thr1266Ser; replaces threonine 1266 with serine.
Molecular consequence: missense variant.
Genome position (GRCh38, 1-based): chr14:23,419,540, T>A on the plus strand (A>T on the coding strand, the complement: MYH7 is on the minus strand). VCF-style: chr14-23419540-T-A. GRCh37 (hg19) VCF-style: chr14-23888749-T-A.
Other names: c.3796A>T, p.Thr1266Ser (NM_001407004.1); short protein forms T1266S.
Identifiers: ClinVar variation 4801924 (VCV004801924.1).